The following is an entry in ClinVar:

ClinVar aggregate classification (germline): Uncertain significance. Review status: criteria provided, multiple submitters, no conflicts (2 of 4 stars). 3 submissions from 3 submitters: Uncertain significance (3). Last evaluated 2025-02-04.

Conditions:
Hereditary cancer-predisposing syndrome. Also called: Hereditary Cancer Syndrome; Neoplastic Syndromes, Hereditary; Tumor predisposition; Hereditary neoplastic syndrome. Identifiers: Orphanet 140162, MedGen C0027672, MeSH D009386, MONDO:0015356.
Ataxia-telangiectasia syndrome (AT). Also called: Ataxia-telangiectasia, complementation group D; AT, COMPLEMENTATION GROUP C; ATAXIA-TELANGIECTASIA, COMPLEMENTATION GROUP A; ATAXIA-TELANGIECTASIA, FRESNO VARIANT; Ataxia-telangiectasia; LOUIS-BAR SYNDROME. Identifiers: Orphanet 100, MedGen C0004135, MONDO:0008840, OMIM 208900.

Allele frequency attached by ClinVar (database versions not stated): gnomAD exomes below 0.00001.
gnomAD v4.1: 1 of 1,613,872 alleles (0.000062%); highest among the groups gnomAD compares: Admixed American, 0.0017%; no homozygotes.

Submissions (3):

Labcorp Genetics (formerly Invitae), Labcorp
Classification: Uncertain significance for Ataxia-telangiectasia syndrome. Last evaluated: 2025-02-04. Review status: criteria provided, single submitter. Criteria: Invitae Variant Classification Sherloc (09022015). Collection method: clinical testing. Allele origin: germline.
Comment: This sequence change replaces alanine, which is neutral and non-polar, with valine, which is neutral and non-polar, at codon 1299 of the ATM protein (p.Ala1299Val). This variant is present in population databases (rs786203287, gnomAD 0.003%). This missense change has been observed in individual(s) with breast cancer (PMID: 34196900). ClinVar contains an entry for this variant (Variation ID: 186870). Invitae Evidence Modeling of protein sequence and biophysical properties (such as structural, functional, and spatial information, amino acid conservation, physicochemical variation, residue mobility, and thermodynamic stability) indicates that this missense variant is not expected to disrupt ATM protein function with a negative predictive value of 95%. In summary, the available evidence is currently insufficient to determine the role of this variant in disease. Therefore, it has been classified as a Variant of Uncertain Significance.

3billion
Classification: Uncertain significance for Ataxia-telangiectasia syndrome. Last evaluated: 2024-06-28. Review status: criteria provided, single submitter. Criteria: ACMG Guidelines, 2015. Collection method: clinical testing. Allele origin: germline. Affected: yes.
Comment: The variant is observed at an extremely low frequency in the gnomAD v4.0.0 dataset (total allele frequency: <0.001%). Predicted Consequence/Location: Missense variant Damaging effect on gene or gene product predicted by in silico programs is uncertain [REVEL: 0.17 (damaging >=0.6, benign <0.4), 3Cnet: 0.51 (damaging >=0.6, benign <0.15)]. Therefore, this variant is classified as VUS according to the recommendation of ACMG/AMP guideline.

Ambry Genetics
Classification: Uncertain significance for Hereditary cancer-predisposing syndrome. Last evaluated: 2023-07-13. Review status: criteria provided, single submitter. Criteria: Ambry Variant Classification Scheme 2023. Collection method: clinical testing. Allele origin: germline.
Comment: The p.A1299V variant (also known as c.3896C>T), located in coding exon 25 of the ATM gene, results from a C to T substitution at nucleotide position 3896. The alanine at codon 1299 is replaced by valine, an amino acid with similar properties. This amino acid position is well conserved in available vertebrate species. In addition, this alteration is predicted to be tolerated by in silico analysis. Since supporting evidence is limited at this time, the clinical significance of this alteration remains unclear.

Literature cited by the submitters: PubMed 34196900 (cited by Labcorp Genetics (formerly Invitae), Labcorp).

NM_000051.4(ATM):c.3896C>T (p.Ala1299Val)

Gene: ATM (ATM serine/threonine kinase; plus strand). Cytogenetic location: 11q22.3.
Variant type: single nucleotide variant.
Coding change: c.3896C>T on transcript NM_000051.4 (MANE Select); coding-DNA position 3896, C replaced by T.
Protein change: p.Ala1299Val; replaces alanine 1299 with valine.
Molecular consequence: missense variant.
Genome position (GRCh38, 1-based): chr11:108,284,376, C>T. VCF-style: chr11-108284376-C-T. GRCh37 (hg19) VCF-style: chr11-108155103-C-T.
Other names: c.3896C>T, p.Ala1299Val (NM_001351834.2); short protein forms A1299V.
Identifiers: ClinVar variation 186870 (VCV000186870.12), dbSNP rs786203287, ClinGen allele CA196094.